The following is an entry in ClinVar:

ClinVar aggregate classification (germline): Likely pathogenic (1 of 4 stars; one submission).

Conditions:
Intellectual disability, X-linked 102 (MRXSSB). Also called: Intellectual developmental disorder, X-linked syndromic, Snijders Blok type. Identifiers: Orphanet 457260, MedGen C5393299, MONDO:0010497, OMIM 300958.

Submission:

Wales Gene Park, Division Of Cancer and Genetics, Cardiff University
Classification: Likely pathogenic for Intellectual disability, X-linked 102. Last evaluated: 2026-04-28. Review status: criteria provided, single submitter. Criteria: ACGS Best Practice Guidelines for Variant Classification in Rare Disease 2024. Collection method: research. Allele origin: de novo. Inheritance: X-linked inheritance. Affected: yes. Study: 100,000 Genomes Project (Wales).
Comment: De novo DDX3X missense variant detected by trio genome sequencing. Not present in gnomAD (v4.1.1). REVEL score 0.739. Constrained gene (gnomAD missense Z score 4.33). Phenotype consistent with gene but not highly specific and high genetic heterogeneity. Variant located in conserved C-terminal helicase domain near other pathogenic variants. Evidence codes: PM2, PP3, PP2, PS2_supporting, PM1_supporting.

NM_001356.5(DDX3X):c.1382T>C (p.Leu461Ser)

Gene: DDX3X (DEAD-box helicase 3 X-linked; plus strand). Cytogenetic location: Xp11.4.
Variant type: single nucleotide variant.
Coding change: c.1382T>C on transcript NM_001356.5 (MANE Select); coding-DNA position 1382, T replaced by C.
Protein change: p.Leu461Ser; replaces leucine 461 with serine.
Molecular consequence: missense variant. On other transcripts: non-coding transcript variant (1).
Genome position (GRCh38, 1-based): chrX:41,346,295, T>C. VCF-style: chrX-41346295-T-C. GRCh37 (hg19) VCF-style: chrX-41205548-T-C.
Other names: c.1382T>C, p.Leu461Ser (NM_001193416.3); c.1334T>C, p.Leu445Ser (NM_001193417.3); c.824T>C, p.Leu275Ser (NM_001363819.1); short protein forms L275S, L445S, L461S.
Identifiers: ClinVar variation 4880222 (VCV004880222.1).